The following is an entry in ClinVar:

NM_022552.5(DNMT3A):c.16T>G (p.Ser6Ala)

Gene: DNMT3A (DNA methyltransferase 3 alpha; minus strand). Cytogenetic location: 2p23.3.
Variant type: single nucleotide variant.
Coding change: c.16T>G on transcript NM_022552.5 (MANE Select); coding-DNA position 16, T replaced by G.
Protein change: p.Ser6Ala; replaces serine 6 with alanine.
Molecular consequence: missense variant. On other transcripts: non-coding transcript variant (1).
Genome position (GRCh38, 1-based): chr2:25,313,969, A>C on the plus strand (T>G on the coding strand, the complement: DNMT3A is on the minus strand). VCF-style: chr2-25313969-A-C. GRCh37 (hg19) VCF-style: chr2-25536838-A-C.
Other names: c.16T>G (NM_175629.1); c.16T>G, p.Ser6Ala (NM_001320892.2, NM_175629.2, NM_175630.1); short protein forms S6A.
Identifiers: ClinVar variation 770126 (VCV000770126.15), dbSNP rs773893946, ClinGen allele CA1556577.

ClinVar aggregate classification (germline): Likely benign. Review status: criteria provided, multiple submitters, no conflicts (2 of 4 stars). 4 submissions from 4 submitters: Likely benign (3). 1 of the submissions does not count toward it. Last evaluated 2025-09-19.

Conditions:
DNMT3A-related disorder. Also called: DNMT3A-related disorders; DNMT3A-related condition.
Inborn genetic diseases. Identifiers: MedGen C0950123, MeSH D030342.
Tatton-Brown-Rahman overgrowth syndrome. Also called: Tall stature-intellectual disability-facial dysmorphism syndrome; Tatton-Brown-Rahman syndrome. Identifiers: Orphanet 404443, MedGen C4014545, MONDO:0014382, OMIM 615879.

Allele frequency attached by ClinVar (database versions not stated): gnomAD 0.00002; gnomAD exomes 0.00006 and 0.00017; TOPMed 0.00006; ExAC 0.00007.
gnomAD v4.1: 33 of 1,547,688 alleles (0.0021%); highest among the groups gnomAD compares: Admixed American, 0.063%; no homozygotes.

Submissions (4):

Ambry Genetics
Classification: Likely benign for Inborn genetic diseases. Last evaluated: 2025-09-19. Review status: criteria provided, single submitter. Criteria: Ambry Variant Classification Scheme 2023. Collection method: clinical testing. Allele origin: germline.

Labcorp Genetics (formerly Invitae), Labcorp
Classification: Likely benign for Tatton-Brown-Rahman overgrowth syndrome. Last evaluated: 2025-08-29. Review status: criteria provided, single submitter. Criteria: Invitae Variant Classification Sherloc (09022015). Collection method: clinical testing. Allele origin: germline.

GeneDx
Classification: Likely benign. Last evaluated: 2020-11-23. Review status: criteria provided, single submitter. Criteria: GeneDx Variant Classification Process June 2021. Collection method: clinical testing. Allele origin: germline. Affected: yes.

PreventionGenetics, part of Exact Sciences
Classification: Likely benign for DNMT3A-related condition. Last evaluated: 2022-03-17. Review status: no assertion criteria provided. Collection method: clinical testing. Allele origin: germline. Not counted in ClinVar's aggregate classification.
Comment: This variant is classified as likely benign based on ACMG/AMP sequence variant interpretation guidelines (Richards et al. 2015 PMID: 25741868, with internal and published modifications).